The following is an entry in ClinVar:

NM_003072.5(SMARCA4):c.4298A>T (p.Lys1433Met)

Gene: SMARCA4 (SWI/SNF related BAF chromatin remodeling complex subunit ATPase 4; plus strand). Cytogenetic location: 19p13.2.
Variant type: single nucleotide variant.
Coding change: c.4298A>T on transcript NM_003072.5 (MANE Select); coding-DNA position 4298, A replaced by T.
Protein change: p.Lys1433Met; replaces lysine 1433 with methionine.
Molecular consequence: missense variant. On other transcripts: non-coding transcript variant (1).
Genome position (GRCh38, 1-based): chr19:11,041,434, A>T. VCF-style: chr19-11041434-A-T. GRCh37 (hg19) VCF-style: chr19-11152110-A-T.
Other names: c.4298A>T, p.Lys1433Met (NM_001128844.3); c.4208A>T, p.Lys1403Met (NM_001128845.2, NM_001128846.2); c.4199A>T, p.Lys1400Met (NM_001128847.4, NM_001128848.2, NM_001374457.1); c.4394A>T, p.Lys1465Met (NM_001128849.3, NM_001387283.1); c.4295A>T, p.Lys1432Met (NM_001411150.1); short protein forms K1400M, K1432M, K1465M, K1403M, K1433M.
Identifiers: ClinVar variation 3320751 (VCV003320751.1).

ClinVar aggregate classification (germline): Uncertain significance (1 of 4 stars; one submission).

Conditions:
Hereditary cancer-predisposing syndrome. Also called: Neoplastic Syndromes, Hereditary; Tumor predisposition; Hereditary neoplastic syndrome; Hereditary Cancer Syndrome. Identifiers: Orphanet 140162, MedGen C0027672, MeSH D009386, MONDO:0015356.

Submission:

Ambry Genetics
Classification: Uncertain significance for Hereditary cancer-predisposing syndrome. Last evaluated: 2024-05-24. Review status: criteria provided, single submitter. Criteria: Ambry Variant Classification Scheme 2023. Collection method: clinical testing. Allele origin: germline.
Comment: The p.K1465M variant (also known as c.4394A>T), located in coding exon 30 of the SMARCA4 gene, results from an A to T substitution at nucleotide position 4394. The lysine at codon 1465 is replaced by methionine, an amino acid with similar properties. This amino acid position is conserved. In addition, the in silico prediction for this alteration is inconclusive. Based on the available evidence, the clinical significance of this variant remains unclear.